The following is an entry in ClinVar:

NM_004239.4(TRIP11):c.2077_2080del (p.Leu693fs)

Gene: TRIP11 (thyroid hormone receptor interactor 11; minus strand). Cytogenetic location: 14q32.12.
Variant type: Deletion.
Coding change: c.2077_2080del on transcript NM_004239.4 (MANE Select); coding-DNA positions 2077 to 2080, 4 bases deleted (TTAG; older notation c.2077_2080delTTAG).
Protein change: p.Leu693fs; shifts the reading frame from leucine 693.
Molecular consequence: frameshift variant.
Genome position (GRCh38, 1-based): chr14:92,005,896-92,005,899, CTAA deleted on the plus strand (TTAG on the coding strand, the reverse complement: TRIP11 is on the minus strand); deleting any 4 consecutive bases within chr14:92,005,896-92,005,901 gives the same sequence; the c. name uses the placement nearest the transcript's 3' end. VCF-style (leftmost placement, unchanged base first): chr14-92005895-TCTAA-T. GRCh37 (hg19) VCF-style: chr14-92472239-TCTAA-T.
Other names: c.2074_2077del, p.Leu692fs (NM_001321851.1); short protein forms L692fs, L693fs.
Identifiers: ClinVar variation 4798549 (VCV004798549.1).

ClinVar aggregate classification (germline): Pathogenic (1 of 4 stars; one submission).

Conditions:
Achondrogenesis, type IA (ACG1A). Identifiers: Orphanet 932, Orphanet 93299, MedGen C0265273, MONDO:0008701, OMIM 200600.

Submission:

Labcorp Genetics (formerly Invitae), Labcorp
Classification: Pathogenic for Achondrogenesis, type IA. Last evaluated: 2025-05-28. Review status: criteria provided, single submitter. Criteria: Invitae Variant Classification Sherloc (09022015). Collection method: clinical testing. Allele origin: germline.
Comment: This sequence change creates a premature translational stop signal (p.Leu693Lysfs*21) in the TRIP11 gene. It is expected to result in an absent or disrupted protein product. Loss-of-function variants in TRIP11 are known to be pathogenic (PMID: 20089971, 23956106). This variant is present in population databases (no rsID available, gnomAD 0.01%). This variant has not been reported in the literature in individuals affected with TRIP11-related conditions. For these reasons, this variant has been classified as Pathogenic.

Literature cited by the submitters: PubMed 20089971; PubMed 23956106.